The following is an entry in ClinVar:

NM_147196.3(TMIE):c.219G>A (p.Thr73=)

Gene: TMIE (transmembrane inner ear; plus strand). Cytogenetic location: 3p21.31.
Variant type: single nucleotide variant.
Coding change: c.219G>A on transcript NM_147196.3 (MANE Select); coding-DNA position 219, G replaced by A.
Protein change: p.Thr73=; no amino-acid change (threonine 73 retained).
Molecular consequence: synonymous variant.
Genome position (GRCh38, 1-based): chr3:46,709,133, G>A. VCF-style: chr3-46709133-G-A. GRCh37 (hg19) VCF-style: chr3-46750623-G-A.
Other names: c.60G>A, p.Thr20= (NM_001370524.1, NM_001370525.1).
Identifiers: ClinVar variation 228014 (VCV000228014.54), dbSNP rs202208051, ClinGen allele CA2357969.

ClinVar aggregate classification (germline): Conflicting classifications of pathogenicity. Review status: criteria provided, conflicting classifications (1 of 4 stars). 8 submissions from 8 submitters: Uncertain significance (2); Likely benign (5). 1 of the submissions does not count toward it. Last evaluated 2025-08-11.

Conditions:
TMIE-related disorder. Also called: TMIE-related condition.
Autosomal recessive nonsyndromic hearing loss 6. Also called: NEUROSENSORY NONSYNDROMIC RECESSIVE DEAFNESS 6. Identifiers: Orphanet 90636, MedGen C1832992, MONDO:0010965, OMIM 600971.

Allele frequency attached by ClinVar (database versions not stated): gnomAD 0.00052 and 0.00053; ESP Exome Variant Server 0.00055; TOPMed 0.00061; 1000 Genomes Project 0.00120; 1000 Genomes Project 30x 0.00125.
gnomAD v4.1: 198 of 1,614,076 alleles (0.012%); highest among the groups gnomAD compares: African/African-American, 0.17%; no homozygotes.

Submissions (8):

Labcorp Genetics (formerly Invitae), Labcorp
Classification: Likely benign. Last evaluated: 2025-08-11. Review status: criteria provided, single submitter. Criteria: Invitae Variant Classification Sherloc (09022015). Collection method: clinical testing. Allele origin: germline.

CeGaT Center for Human Genetics Tuebingen
Classification: Likely benign. Last evaluated: 2023-02-01. Review status: criteria provided, single submitter. Criteria: CeGaT Center For Human Genetics Tuebingen Variant Classification Criteria Version 2. Collection method: clinical testing. Allele origin: germline. Affected: yes. Observed: 1 variant allele.
Comment: TMIE: BP4, BP7

GeneDx
Classification: Likely benign. Last evaluated: 2020-08-20. Review status: criteria provided, single submitter. Criteria: GeneDx Variant Classification Process June 2021. Collection method: clinical testing. Allele origin: germline. Affected: yes.

Eurofins Ntd Llc (ga)
Classification: Uncertain significance. Last evaluated: 2018-02-01. Review status: criteria provided, single submitter. Criteria: EGL Classification Definitions 2015. Collection method: clinical testing. Allele origin: germline. Observed: 1 variant allele, 1 heterozygote.

Illumina Laboratory Services, Illumina
Classification: Uncertain significance for Autosomal recessive nonsyndromic hearing loss 6. Last evaluated: 2018-01-12. Review status: criteria provided, single submitter. Criteria: ICSL Variant Classification Criteria 13 December 2019. Collection method: clinical testing. Allele origin: germline.

Institute for Genomic Medicine (IGM) Clinical Laboratory, Nationwide Children's Hospital
Classification: Likely benign. Last evaluated: 2017-07-17. Review status: criteria provided, single submitter. Criteria: ACMG Guidelines, 2015. Collection method: clinical testing. Allele origin: germline.
Comment: BP6, BP7; This alteration was reported as a benign/likely benign alteration by a reputable source (ClinVar or other correspondence from a clinical testing laboratory), and is a synonymous alteration with no predicted impact on splicing and/or occurring at a non-evolutionarily conserved nucleotide position.

Laboratory for Molecular Medicine, Mass General Brigham Personalized Medicine
Classification: Likely benign. Last evaluated: 2016-03-31. Review status: criteria provided, single submitter. Criteria: LMM Criteria. Collection method: clinical testing. Allele origin: germline. Observed: 1 variant allele.
Comment: p.Thr73Thr in exon 03 of TMIE: This variant is not expected to have clinical sig nificance because it does not alter an amino acid residue, is not located within the splice consensus sequence, and has been identified in 0.2% (15/9778) of Afr ican chromosomes by the Exome Aggregation Consortium (ExAC; dbSNP rs202208051).

PreventionGenetics, part of Exact Sciences
Classification: Likely benign for TMIE-related condition. Last evaluated: 2024-08-13. Review status: no assertion criteria provided. Collection method: clinical testing. Allele origin: germline. Not counted in ClinVar's aggregate classification.
Comment: This variant is classified as likely benign based on ACMG/AMP sequence variant interpretation guidelines (Richards et al. 2015 PMID: 25741868, with internal and published modifications).